The following is an entry in ClinVar:

ClinVar aggregate classification (germline): Benign/Likely benign. Review status: criteria provided, multiple submitters, no conflicts (2 of 4 stars). 15 submissions from 14 submitters: Benign (3); Likely benign (10). 2 of the submissions do not count toward it. Last evaluated 2026-06-01.

Conditions:
Hereditary cancer-predisposing syndrome. Also called: Tumor predisposition; Hereditary neoplastic syndrome; Hereditary Cancer Syndrome; Neoplastic Syndromes, Hereditary. Identifiers: Orphanet 140162, MedGen C0027672, MeSH D009386, MONDO:0015356.
Anophthalmia-microphthalmia syndrome. Also called: Anophthalmia - microphthalmia; Anophthalmia/Microphthalmia. Identifiers: Orphanet 98555, MedGen C5680330, MONDO:0020147.
Hirschsprung disease, susceptibility to, 1 (HSCR1). Also called: RET-Related Hirschsprung Disease. Identifiers: Orphanet 388, MedGen C3888239, MONDO:0007723, OMIM 142623.
Holoprosencephaly 7 (HPE7). Identifiers: Orphanet 2162, MedGen C1835820, MONDO:0012562, OMIM 610828.
Gorlin syndrome. Also called: Basal cell nevus syndrome; Nevoid Basal Cell Carcinoma Syndrome. Identifiers: Orphanet 377, MedGen C0004779, MONDO:0007187.

Allele frequency attached by ClinVar (database versions not stated): 1000 Genomes Project 30x 0.00016; 1000 Genomes Project 0.00020; ESP Exome Variant Server 0.00031; ExAC 0.00072; gnomAD exomes 0.00074 and 0.00093; gnomAD 0.00083 and 0.00084; TOPMed 0.00083.
gnomAD v4.1: 1,499 of 1,614,178 alleles (0.093%); highest among the groups gnomAD compares: Admixed American, 0.16%; 1 homozygote.

Submissions (15):

CeGaT Center for Human Genetics Tuebingen
Classification: Likely benign. Last evaluated: 2026-06-01. Review status: criteria provided, single submitter. Criteria: CeGaT Center For Human Genetics Tuebingen Variant Classification Criteria Version 2. Collection method: clinical testing. Allele origin: germline. Affected: yes. Observed: 7 variant alleles.
Comment: PTCH1: PP3, BS1

Labcorp Genetics (formerly Invitae), Labcorp
Classification: Benign for Gorlin syndrome. Last evaluated: 2026-02-03. Review status: criteria provided, single submitter. Criteria: Invitae Variant Classification Sherloc (09022015). Collection method: clinical testing. Allele origin: germline.

Women's Health and Genetics/Laboratory Corporation of America, LabCorp
Classification: Likely benign. Last evaluated: 2025-06-06. Review status: criteria provided, single submitter. Criteria: LabCorp Variant Classification Summary - May 2015. Collection method: clinical testing. Allele origin: germline.

Quest Diagnostics Nichols Institute San Juan Capistrano
Classification: Benign. Last evaluated: 2025-04-12. Review status: criteria provided, single submitter. Criteria: Quest Diagnostics criteria. Collection method: clinical testing. Allele origin: unknown.

Center for Genomic Medicine, Rigshospitalet, Copenhagen University Hospital
Classification: Likely benign. Last evaluated: 2025-03-04. Review status: criteria provided, single submitter. Criteria: ACMG Guidelines, 2015. Collection method: clinical testing. Allele origin: germline.
Comment: Classification criteria: BS1

Blueprint Genetics
Classification: Likely benign. Last evaluated: 2024-11-22. Review status: criteria provided, single submitter. Criteria: ACMG Guidelines, 2015. Collection method: clinical testing. Allele origin: germline.

Sema4
Classification: Likely benign for Hereditary cancer-predisposing syndrome. Last evaluated: 2020-09-08. Review status: criteria provided, single submitter. Criteria: Sema4 Curation Guidelines. Collection method: curation. Allele origin: germline.

Mendelics
Classification: Likely benign for Basal cell nevus syndrome 1. Last evaluated: 2019-05-28. Review status: criteria provided, single submitter. Criteria: Mendelics Assertion Criteria 2017. Collection method: clinical testing. Allele origin: unknown.

GeneDx
Classification: Likely benign. Last evaluated: 2019-02-12. Review status: criteria provided, single submitter. Criteria: GeneDx Variant Classification Process June 2021. Collection method: clinical testing. Allele origin: germline. Affected: yes.
Comment: This variant is associated with the following publications: (PMID: 16231297, 16405370, 23334667, 26893459, 26559152, 28717660, 25527561, 24728327)

Ambry Genetics
Classification: Benign for Hereditary cancer-predisposing syndrome. Last evaluated: 2018-03-28. Review status: criteria provided, single submitter. Criteria: Ambry Variant Classification Scheme 2023. Collection method: clinical testing. Allele origin: germline.

Illumina Laboratory Services, Illumina
Classification: Likely benign for Holoprosencephaly 7. Last evaluated: 2017-04-27. Review status: criteria provided, single submitter. Criteria: ICSL Variant Classification Criteria 13 December 2019. Collection method: clinical testing. Allele origin: germline.
Comment: This variant was observed as part of a predisposition screen in an ostensibly healthy population. A literature search was performed for the gene, cDNA change, and amino acid change (where applicable). No publications were found based on this search. Allele frequency data from public databases allowed determination this variant is unlikely to cause disease. Therefore, this variant is classified as likely benign.

Illumina Laboratory Services, Illumina
Classification: Likely benign for Basal cell nevus syndrome 1. Last evaluated: 2017-04-27. Review status: criteria provided, single submitter. Criteria: ICSL Variant Classification Criteria 13 December 2019. Collection method: clinical testing. Allele origin: germline.
Comment: This variant was observed as part of a predisposition screen in an ostensibly healthy population. A literature search was performed for the gene, cDNA change, and amino acid change (where applicable). Publications were found based on this search. The evidence from the literature, in combination with allele frequency data from public databases where available, was sufficient to determine this variant is unlikely to cause disease. Therefore, this variant is classified as likely benign.

Paul Sabatier University EA-4555, Paul Sabatier University
Classification: Likely benign. Last evaluated: 2013-01-01. Review status: criteria provided, single submitter. Criteria: Chassaing et al. (Genome Res. 2016). Collection method: clinical testing, research. Allele origin: unknown. Affected: yes. Observed: 1 heterozygote.
Comment: rare variant, functional studies demonstrating absence of deleterious effect on protein.

Department of Genetics, Reproduction and Fetal Medicine., Institute of Biomedicine of Seville (IBIS), University Hospital Virgen del Rocío/CSIC/University of Seville.
Classification: Uncertain significance for Hirschsprung disease 1. Last evaluated: 2015-04-01. Review status: no assertion criteria provided. Collection method: research. Allele origin: germline. Affected: yes. Not counted in ClinVar's aggregate classification.

ITMI
No classification provided. Condition: AllHighlyPenetrant. Last evaluated: 2013-09-19. Review status: no classification provided. Collection method: reference population. Allele origin: germline. Not counted in ClinVar's aggregate classification.
Comment: Please see associated publication for description of ethnicities

Literature cited by the submitters: PubMed 26893459 (cited by Quest Diagnostics Nichols Institute San Juan Capistrano); PubMed 24728327 (cited by 3 submitters); PubMed 23334667 (cited by Quest Diagnostics Nichols Institute San Juan Capistrano and Illumina Laboratory Services, Illumina); PubMed 16231297 (cited by 3 submitters); PubMed 26559152 (cited by Quest Diagnostics Nichols Institute San Juan Capistrano); PubMed 33729574 (cited by Quest Diagnostics Nichols Institute San Juan Capistrano).

NM_000264.5(PTCH1):c.1306G>A (p.Asp436Asn)

Gene: PTCH1 (patched 1; minus strand). Cytogenetic location: 9q22.32.
Variant type: single nucleotide variant.
Coding change: c.1306G>A on transcript NM_000264.5 (MANE Select); coding-DNA position 1306, G replaced by A.
Protein change: p.Asp436Asn; replaces aspartic acid 436 with asparagine.
Molecular consequence: missense variant. On other transcripts: non-coding transcript variant (1).
Genome position (GRCh38, 1-based): chr9:95,478,096, C>T on the plus strand (G>A on the coding strand, the complement: PTCH1 is on the minus strand). VCF-style: chr9-95478096-C-T. GRCh37 (hg19) VCF-style: chr9-98240378-C-T.
Other names: c.1108G>A, p.Asp370Asn (NM_001083602.3); c.1303G>A, p.Asp435Asn (NM_001083603.3); c.853G>A, p.Asp285Asn (NM_001083604.3, NM_001083605.3, NM_001083606.3 and 1 more transcripts); c.1306G>A, p.Asp436Asn (NM_001354918.2); short protein forms D370N, D436N, D435N, D285N.
Identifiers: ClinVar variation 135110 (VCV000135110.53), dbSNP rs142274954, ClinGen allele CA161764.